The following is an entry in ClinVar:

ClinVar aggregate classification (germline): Pathogenic (1 of 4 stars; one submission).

Conditions:
Maturity-onset diabetes of the young type 3. Also called: MODY type 3; MODY, type III. Identifiers: Orphanet 552, MedGen C1838100, MeSH C563933, MONDO:0010894, OMIM 600496. Disease mechanism: loss of function.

Submission:

Molecular Genetics and NGS Laboratory, Hospital Fundacion Valle Del Lili
Classification: Pathogenic for Maturity-onset diabetes of the young type 3. Last evaluated: 2026-01-12. Review status: criteria provided, single submitter. Criteria: ACMG Guidelines, 2015. Collection method: clinical testing. Allele origin: germline. Inheritance: Autosomal dominant inheritance. Affected: yes.
Comment: According to ACMG, this variant accomplishes the following criteria: PVS1: Null variant (frame-shift) in gene HNF1A, predicted to cause NMD. Loss-of-function is a known mechanism of disease (gene has 254 reported pathogenic LOF variants). The exon contains 26 pathogenic variants. The truncated region contains 78 pathogenic variants. PM2: Variant not found in gnomAD genomes, good gnomAD genomes coverage = 33.4. Variant not found in gnomAD exomes, good gnomAD exomes coverage = 56.2. PP4: Patient's phenotype was highly concordant with this condition. PP5: This variant has been published previously in a patient with MODY type 3: Montaño-Candelo L, Mejía-de Beldjena L. Caracterización clínica de pacientes con diabetes tipo MODY: Reporte de casos. Iatreia [Internet]. 2025 Oct-Dic;38(4):782-789. DOI 10.17533/udea.iatreia.317

Literature cited by the submitters: DOI 10.17533/udea.iatreia.317.

NM_000545.8(HNF1A):c.1413del (p.Tyr472fs)

Gene: HNF1A (HNF1 homeobox A; plus strand). Cytogenetic location: 12q24.31.
Variant type: Deletion.
Coding change: c.1413del on transcript NM_000545.8 (MANE Select); coding-DNA position 1413, one base deleted (C; older notation c.1413delC).
Protein change: p.Tyr472fs; shifts the reading frame from tyrosine 472.
Molecular consequence: frameshift variant. On other transcripts: intron variant (1).
Genome position (GRCh38, 1-based): chr12:120,997,577, C deleted; the last of 2 consecutive C bases (chr12:120,997,576-120,997,577); deleting either gives the same sequence. VCF-style (leftmost placement, unchanged base first): chr12-120997575-TC-T. GRCh37 (hg19) VCF-style: chr12-121435378-TC-T.
Other names: p.Tyr472ThrfsTer13; c.1413del, p.Tyr472fs (NM_001306179.2); c.1309+835del (NM_001406915.1); c.1413delC (NM_000545.8); short protein forms Y472fs.
Identifiers: ClinVar variation 4685475 (VCV004685475.1).